The following is an entry in ClinVar:

NM_024120.5(NDUFAF5):c.597T>C (p.Cys199=)

Gene: NDUFAF5 (NADH:ubiquinone oxidoreductase complex assembly factor 5; plus strand). Cytogenetic location: 20p12.1.
Variant type: single nucleotide variant.
Coding change: c.597T>C on transcript NM_024120.5 (MANE Select); coding-DNA position 597, T replaced by C.
Protein change: p.Cys199=; no amino-acid change (cysteine 199 retained).
Molecular consequence: synonymous variant. On other transcripts: non-coding transcript variant (7).
Genome position (GRCh38, 1-based): chr20:13,801,563, T>C. VCF-style: chr20-13801563-T-C. GRCh37 (hg19) VCF-style: chr20-13782209-T-C.
Other names: c.597T>C, p.Cys199= (NM_001352408.2); c.513T>C, p.Cys171= (NM_001039375.3); c.126T>C, p.Cys42= (NM_001352403.2); c.36T>C, p.Cys12= (NM_001352406.2, NM_001352407.2).
Identifiers: ClinVar variation 383054 (VCV000383054.11), dbSNP rs372913975, ClinGen allele CA16609032.

ClinVar aggregate classification (germline): Likely benign. Review status: criteria provided, multiple submitters, no conflicts (2 of 4 stars). 3 submissions from 3 submitters: Likely benign (2). 1 of the submissions does not count toward it. Last evaluated 2024-01-25.

Conditions:
NDUFAF5-related disorder. Also called: NDUFAF5-related condition.

Allele frequency attached by ClinVar (database versions not stated): gnomAD exomes 0.00001; TOPMed 0.00005; ESP Exome Variant Server 0.00008; gnomAD 0.00009.
gnomAD v4.1: 22 of 1,614,078 alleles (0.0014%); highest among the groups gnomAD compares: African/African-American, 0.028%; no homozygotes.

Submissions (3):

Labcorp Genetics (formerly Invitae), Labcorp
Classification: Likely benign. Last evaluated: 2024-01-25. Review status: criteria provided, single submitter. Criteria: Invitae Variant Classification Sherloc (09022015). Collection method: clinical testing. Allele origin: germline.

GeneDx
Classification: Likely benign. Last evaluated: 2016-03-03. Review status: criteria provided, single submitter. Criteria: GeneDx Variant Classification (06012015). Collection method: clinical testing. Allele origin: germline. Affected: yes.
Comment: This variant is considered likely benign or benign based on one or more of the following criteria: it is a conservative change, it occurs at a poorly conserved position in the protein, it is predicted to be benign by multiple in silico algorithms, and/or has population frequency not consistent with disease.

PreventionGenetics, part of Exact Sciences
Classification: Likely benign for NDUFAF5-related condition. Last evaluated: 2020-01-03. Review status: no assertion criteria provided. Collection method: clinical testing. Allele origin: germline. Not counted in ClinVar's aggregate classification.
Comment: This variant is classified as likely benign based on ACMG/AMP sequence variant interpretation guidelines (Richards et al. 2015 PMID: 25741868, with internal and published modifications).